The following is an entry in ClinVar:

NM_001267550.2(TTN):c.100728_100729delinsTACCAACACAA (p.Gly33577delinsThrAsnThrArg)

Genes: TTN (titin; minus strand), TTN-AS1 (TTN antisense RNA 1; plus strand). Cytogenetic location: 2q31.2.
Variant type: Indel.
Coding change: c.100728_100729delinsTACCAACACAA on transcript NM_001267550.2 (MANE Select); coding-DNA positions 100728 to 100729, GG replaced by TACCAACACAA.
Protein change: p.Gly33577delinsThrAsnThrArg.
Molecular consequence: inframe indel.
Genome position (GRCh38, 1-based): chr2:178,536,018-178,536,019, CC replaced by TTGTGTTGGTA on the plus strand (GG replaced by TACCAACACAA on the coding strand, the reverse complement: TTN is on the minus strand). VCF-style: chr2-178536018-CC-TTGTGTTGGTA. GRCh37 (hg19) VCF-style: chr2-179400745-CC-TTGTGTTGGTA.
Other names: c.95805_95806delinsTACCAACACAA, p.Gly31936delinsThrAsnThrArg (NM_001256850.1); c.73533_73534delinsTACCAACACAA, p.Gly24512delinsThrAsnThrArg (NM_003319.4); c.93024_93025delinsTACCAACACAA, p.Gly31009delinsThrAsnThrArg (NM_133378.4); c.73908_73909delinsTACCAACACAA, p.Gly24637delinsThrAsnThrArg (NM_133432.3); c.74109_74110delinsTACCAACACAA, p.Gly24704delinsThrAsnThrArg (NM_133437.4).
Identifiers: ClinVar variation 1711513 (VCV001711513.30), dbSNP rs2468603271, ClinGen allele CA2580064567.

ClinVar aggregate classification (germline): Uncertain significance (1 of 4 stars; one submission).

Submission:

CeGaT Center for Human Genetics Tuebingen
Classification: Uncertain significance. Last evaluated: 2022-09-01. Review status: criteria provided, single submitter. Criteria: CeGaT Center For Human Genetics Tuebingen Variant Classification Criteria Version 2. Collection method: clinical testing. Allele origin: germline. Affected: yes. Observed: 1 variant allele.
Comment: TTN: PM4, PM2:Supporting